The following is an entry in ClinVar:

NM_024079.5(ALG8):c.139A>T (p.Thr47Ser)

Gene: ALG8 (ALG8 alpha-1,3-glucosyltransferase; minus strand). Cytogenetic location: 11q14.1.
Variant type: single nucleotide variant.
Coding change: c.139A>T on transcript NM_024079.5 (MANE Select); coding-DNA position 139, A replaced by T.
Protein change: p.Thr47Ser; replaces threonine 47 with serine.
Molecular consequence: missense variant.
Genome position (GRCh38, 1-based): chr11:78,127,393, T>A on the plus strand (A>T on the coding strand, the complement: ALG8 is on the minus strand). VCF-style: chr11-78127393-T-A. GRCh37 (hg19) VCF-style: chr11-77838439-T-A.
Other names: c.139A>T, p.Thr47Ser (NM_001007027.3); short protein forms T47S.
Identifiers: ClinVar variation 2346358 (VCV002346358.5), dbSNP rs121908293, ClinGen allele CA6203573.

ClinVar aggregate classification (germline): Uncertain significance. Review status: criteria provided, multiple submitters, no conflicts (2 of 4 stars). 3 submissions from 3 submitters: Uncertain significance (3). Last evaluated 2026-03-02.

Conditions:
Inborn genetic diseases. Identifiers: MedGen C0950123, MeSH D030342.
ALG8 congenital disorder of glycosylation. Also called: CONGENITAL DISORDER OF GLYCOSYLATION, TYPE Ih; CDG Ih; ALG8-CDG. Identifiers: Orphanet 79325, MedGen C2931002, MONDO:0011969, OMIM 608104.
Polycystic liver disease 3 with or without kidney cysts. Identifiers: MedGen C4693472, MONDO:0054743, OMIM 617874.

gnomAD v4.1: 26 of 1,613,600 alleles (0.0016%); highest among the groups gnomAD compares: Non-Finnish European, 0.0021%; no homozygotes.

Submissions (3):

Dasa
Classification: Uncertain significance. Last evaluated: 2026-03-02. Review status: criteria provided, single submitter. Criteria: DASA Assertion Criteria. Collection method: clinical testing. Allele origin: germline.
Comment: NM_024079.5(ALG8):c.139A>T (p.Thr47Ser) is a missense variant that results in the substitution of threonine with serine. The affected residue or protein region has prior evidence supporting clinical relevance. This variant is rare in population databases. Computational prediction algorithms are consistent with a deleterious effect. The currently available literature and clinical evidence are not sufficient to establish a definitive association between this variant and the reported condition. Therefore, this variant is classified as a variant of uncertain significance.

Fulgent Genetics
Classification: Uncertain significance for ALG8 congenital disorder of glycosylation; Polycystic liver disease 3 with or without kidney cysts. Last evaluated: 2023-12-29. Review status: criteria provided, single submitter. Criteria: ACMG Guidelines, 2015. Collection method: clinical testing. Allele origin: germline.

Ambry Genetics
Classification: Uncertain significance for Inborn genetic diseases. Last evaluated: 2021-08-09. Review status: criteria provided, single submitter. Criteria: Ambry Variant Classification Scheme 2023. Collection method: clinical testing. Allele origin: germline.